The following is an entry in ClinVar:

ClinVar aggregate classification (germline): Conflicting classifications of pathogenicity. Review status: criteria provided, conflicting classifications (1 of 4 stars). 2 submissions from 2 submitters: Uncertain significance (1); Likely benign (1). Last evaluated 2025-08-23.

Conditions:
Inborn genetic diseases. Identifiers: MedGen C0950123, MeSH D030342.
Retinitis pigmentosa 73 (RP73). Identifiers: Orphanet 791, MedGen C4225287, MONDO:0014687, OMIM 616544.
Mucopolysaccharidosis, MPS-III-C (MPS3C). Also called: MPS IIIC (Sanfilippo Syndrome Type C); MUCOPOLYSACCHARIDOSIS, TYPE IIIC; Mucopolysaccharidosis type IIIC (Sanfilippo C); SANFILIPPO SYNDROME C; MPS III C; mucopolysaccharidosis type 3C. Identifiers: Orphanet 581, Orphanet 79271, MedGen C0086649, MONDO:0009657, OMIM 252930.

Allele frequency attached by ClinVar (database versions not stated): gnomAD exomes 0.00001; ExAC 0.00001; gnomAD 0.00002 and 0.00001; ESP Exome Variant Server 0.00008.
gnomAD v4.1: 16 of 1,612,590 alleles (0.00099%); highest among the groups gnomAD compares: African/African-American, 0.0027%; no homozygotes.

Submissions (2):

Ambry Genetics
Classification: Likely benign for Inborn genetic diseases. Last evaluated: 2025-08-23. Review status: criteria provided, single submitter. Criteria: Ambry Variant Classification Scheme 2023. Collection method: clinical testing. Allele origin: germline.

Labcorp Genetics (formerly Invitae), Labcorp
Classification: Uncertain significance for Retinitis pigmentosa 73; Mucopolysaccharidosis, MPS-III-C. Last evaluated: 2024-10-26. Review status: criteria provided, single submitter. Criteria: Invitae Variant Classification Sherloc (09022015). Collection method: clinical testing. Allele origin: germline.
Comment: This sequence change replaces alanine, which is neutral and non-polar, with valine, which is neutral and non-polar, at codon 520 of the HGSNAT protein (p.Ala520Val). This variant is present in population databases (rs374619489, gnomAD 0.01%). This variant has not been reported in the literature in individuals affected with HGSNAT-related conditions. ClinVar contains an entry for this variant (Variation ID: 1407472). Invitae Evidence Modeling of protein sequence and biophysical properties (such as structural, functional, and spatial information, amino acid conservation, physicochemical variation, residue mobility, and thermodynamic stability) indicates that this missense variant is not expected to disrupt HGSNAT protein function with a negative predictive value of 95%. In summary, the available evidence is currently insufficient to determine the role of this variant in disease. Therefore, it has been classified as a Variant of Uncertain Significance.

NM_152419.3(HGSNAT):c.1559C>T (p.Ala520Val)

Gene: HGSNAT (heparan-alpha-glucosaminide N-acetyltransferase; plus strand). Cytogenetic location: 8p11.21.
Variant type: single nucleotide variant.
Coding change: c.1559C>T on transcript NM_152419.3 (MANE Select); coding-DNA position 1559, C replaced by T.
Protein change: p.Ala520Val; replaces alanine 520 with valine.
Molecular consequence: missense variant.
Genome position (GRCh38, 1-based): chr8:43,197,688, C>T. VCF-style: chr8-43197688-C-T. GRCh37 (hg19) VCF-style: chr8-43052831-C-T.
Other names: c.1559C>T (NM_152419.2); c.1646C>T, p.Ala549Val (NM_001363227.2); c.1367C>T, p.Ala456Val (NM_001363228.2); c.695C>T, p.Ala232Val (NM_001363229.2); short protein forms A232V, A456V, A520V, A549V.
Identifiers: ClinVar variation 1407472 (VCV001407472.6), dbSNP rs374619489, ClinGen allele CA4736951.